The following is an entry in ClinVar:

NM_138387.4(G6PC3):c.667G>A (p.Asp223Asn)

Gene: G6PC3 (glucose-6-phosphatase catalytic subunit 3; plus strand). Cytogenetic location: 17q21.31.
Variant type: single nucleotide variant.
Coding change: c.667G>A on transcript NM_138387.4 (MANE Select); coding-DNA position 667, G replaced by A.
Protein change: p.Asp223Asn; replaces aspartic acid 223 with asparagine.
Molecular consequence: missense variant.
Genome position (GRCh38, 1-based): chr17:44,075,441, G>A. VCF-style: chr17-44075441-G-A. GRCh37 (hg19) VCF-style: chr17-42152809-G-A.
Other names: c.548G>A, p.Gly183Glu (NM_001319945.2); c.322G>A, p.Asp108Asn (NM_001384165.1, NM_001384166.1, NM_001384167.1 and 1 more transcripts); short protein forms D108N, D223N, G183E.
Identifiers: ClinVar variation 4027558 (VCV004027558.1).

ClinVar aggregate classification (germline): Uncertain significance (1 of 4 stars; one submission).

Conditions:
Inborn genetic diseases. Identifiers: MedGen C0950123, MeSH D030342.

Submission:

Ambry Genetics
Classification: Uncertain significance for Inborn genetic diseases. Last evaluated: 2025-03-20. Review status: criteria provided, single submitter. Criteria: Ambry Variant Classification Scheme 2023. Collection method: clinical testing. Allele origin: germline.
Comment: The p.D223N variant (also known as c.667G>A), located in coding exon 5 of the G6PC3 gene, results from a G to A substitution at nucleotide position 667. The aspartic acid at codon 223 is replaced by asparagine, an amino acid with highly similar properties. This amino acid position is conserved. In addition, this alteration is predicted to be tolerated by in silico analysis. Based on the available evidence, the clinical significance of this variant remains unclear.